The following is an entry in ClinVar:

ClinVar aggregate classification (germline): Pathogenic (1 of 4 stars; one submission).

Submission:

GeneDx
Classification: Pathogenic. Last evaluated: 2022-02-09. Review status: criteria provided, single submitter. Criteria: GeneDx Variant Classification Process June 2021. Collection method: clinical testing. Allele origin: germline. Affected: yes.
Comment: Frameshift variant predicted to result in protein truncation or nonsense mediated decay in a gene for which loss-of-function is a known mechanism of disease; Not observed at significant frequency in large population cohorts (gnomAD); Has not been previously published as pathogenic or benign to our knowledge

NM_001040142.2(SCN2A):c.4371dup (p.Ile1458fs)

Gene: SCN2A (sodium voltage-gated channel alpha subunit 2; plus strand). Cytogenetic location: 2q24.3.
Variant type: Duplication.
Coding change: c.4371dup on transcript NM_001040142.2 (MANE Select); coding-DNA position 4371, one base duplicated (T; older notation c.4371dupT).
Protein change: p.Ile1458fs; shifts the reading frame from isoleucine 1458.
Molecular consequence: frameshift variant.
Genome position (GRCh38, 1-based): chr2:165,380,654, T duplicated; the last of 2 consecutive T bases (chr2:165,380,653-165,380,654); duplicating either gives the same sequence. VCF-style (leftmost placement, unchanged base first): chr2-165380652-A-AT. GRCh37 (hg19) VCF-style: chr2-166237162-A-AT.
Other names: c.4371dupT (NM_021007.2); c.4371dup, p.Ile1458fs (NM_001040143.2, NM_001371246.1, NM_001371247.1 and 1 more transcripts); short protein forms I1458fs.
Identifiers: ClinVar variation 429399 (VCV000429399.4), dbSNP rs1131691361, ClinGen allele CA645369162.